The following is an entry in ClinVar:

NM_181486.4(TBX5):c.455T>C (p.Leu152Pro)

Gene: TBX5 (T-box transcription factor 5; minus strand). Cytogenetic location: 12q24.21.
Variant type: single nucleotide variant.
Coding change: c.455T>C on transcript NM_181486.4 (MANE Select); coding-DNA position 455, T replaced by C.
Protein change: p.Leu152Pro; replaces leucine 152 with proline.
Molecular consequence: missense variant.
Genome position (GRCh38, 1-based): chr12:114,398,628, A>G on the plus strand (T>C on the coding strand, the complement: TBX5 is on the minus strand). VCF-style: chr12-114398628-A-G. GRCh37 (hg19) VCF-style: chr12-114836433-A-G.
Other names: c.455T>C, p.Leu152Pro (NM_000192.3); c.305T>C, p.Leu102Pro (NM_080717.4); short protein forms L102P, L152P.
Identifiers: ClinVar variation 1741487 (VCV001741487.2), dbSNP rs1228856550, ClinGen allele CA386862058.
Genomic context (GRCh38, chr12:114,398,628, plus strand): 5'-CTCACATGCCCAAATGGGTCCAGGTGGTTGTTGGTGAGCTTGAGTTTCTGGAAGGAGACG[A>G]GCTGCCTCATCCAATGCGCCCCGGTGGCGGGGGAGTCTGGGTGCACGTACAGGCGGCCAG-3'
Protein context (NP_852259.1, residues 142-162): PATGAHWMRQ[Leu152Pro]VSFQKLKLTN

ClinVar aggregate classification (germline): Uncertain significance (1 of 4 stars; one submission).

Conditions:
Cardiovascular phenotype. Identifiers: MedGen CN230736.

Allele frequency attached by ClinVar (database versions not stated): gnomAD exomes below 0.00001.
gnomAD v4.1: 3 of 1,613,684 alleles (0.00019%); highest among the groups gnomAD compares: Non-Finnish European, 0.00025%; no homozygotes.

Submission:

Ambry Genetics
Classification: Uncertain significance for Cardiovascular phenotype. Last evaluated: 2020-07-21. Review status: criteria provided, single submitter. Criteria: Ambry Variant Classification Scheme 2023. Collection method: clinical testing. Allele origin: germline.
Comment: The p.L152P variant (also known as c.455T>C), located in coding exon 4 of the TBX5 gene, results from a T to C substitution at nucleotide position 455. The leucine at codon 152 is replaced by proline, an amino acid with similar properties. This amino acid position is highly conserved in available vertebrate species. In addition, this alteration is predicted to be deleterious by in silico analysis. Since supporting evidence is limited at this time, the clinical significance of this alteration remains unclear.